The following is an entry in ClinVar:

NM_001036.6(RYR3):c.9143G>T (p.Arg3048Leu)

Gene: RYR3 (ryanodine receptor 3; plus strand). Cytogenetic location: 15q14.
Variant type: single nucleotide variant.
Coding change: c.9143G>T on transcript NM_001036.6 (MANE Select); coding-DNA position 9143, G replaced by T.
Protein change: p.Arg3048Leu; replaces arginine 3048 with leucine.
Molecular consequence: missense variant.
Genome position (GRCh38, 1-based): chr15:33,780,216, G>T. VCF-style: chr15-33780216-G-T. GRCh37 (hg19) VCF-style: chr15-34072417-G-T.
Other names: c.9143G>T, p.Arg3048Leu (NM_001243996.4); short protein forms R3048L.
Identifiers: ClinVar variation 461980 (VCV000461980.14), dbSNP rs139568967, ClinGen allele CA7460437.

ClinVar aggregate classification (germline): Benign/Likely benign. Review status: criteria provided, multiple submitters, no conflicts (2 of 4 stars). 3 submissions from 3 submitters: Benign (1); Likely benign (1). 1 of the submissions does not count toward it. Last evaluated 2024-04-26.

Conditions:
Epileptic encephalopathy. Identifiers: MedGen C0543888, HP:0200134.
RYR3-related disorder. Also called: RYR3-related condition.

Allele frequency attached by ClinVar (database versions not stated): TOPMed 0.00057; 1000 Genomes Project 30x 0.00203; 1000 Genomes Project 0.00220.
gnomAD v4.1: 316 of 1,613,656 alleles (0.02%); highest among the groups gnomAD compares: East Asian, 0.45%; 5 homozygotes.

Submissions (3):

Women's Health and Genetics/Laboratory Corporation of America, LabCorp
Classification: Likely benign. Last evaluated: 2024-04-26. Review status: criteria provided, single submitter. Criteria: LabCorp Variant Classification Summary - May 2015. Collection method: clinical testing. Allele origin: germline.
Comment: Variant summary: RYR3 c.9143G>T (p.Arg3048Leu) results in a non-conservative amino acid change in the encoded protein sequence. Three of five in-silico tools predict a benign effect of the variant on protein function. The variant allele was found at a frequency of 0.00074 in 248290 control chromosomes, predominantly at a frequency of 0.0094 within the East Asian subpopulation in the gnomAD database, including 6 homozygotes, strongly suggesting that the variant is a benign polymorphism found primarily in populations of East Asian origin. To our knowledge, no occurrence of c.9143G>T in individuals affected with Congenital Myopathy 20 and no experimental evidence demonstrating its impact on protein function have been reported. ClinVar contains an entry for this variant (Variation ID: 461980). Based on the evidence outlined above, the variant was classified as likely benign.

Labcorp Genetics (formerly Invitae), Labcorp
Classification: Benign for Epileptic encephalopathy. Last evaluated: 2022-11-29. Review status: criteria provided, single submitter. Criteria: Invitae Variant Classification Sherloc (09022015). Collection method: clinical testing. Allele origin: germline.

PreventionGenetics, part of Exact Sciences
Classification: Benign for RYR3-related condition. Last evaluated: 2019-12-09. Review status: no assertion criteria provided. Collection method: clinical testing. Allele origin: germline. Not counted in ClinVar's aggregate classification.
Comment: This variant is classified as benign based on ACMG/AMP sequence variant interpretation guidelines (Richards et al. 2015 PMID: 25741868, with internal and published modifications).